The following is an entry in ClinVar:

NM_020207.7(ERCC6L2):c.3762del (p.Glu1254fs)

Gene: ERCC6L2 (ERCC excision repair 6 like 2; plus strand). Cytogenetic location: 9q22.32.
Variant type: Deletion.
Coding change: c.3762del on transcript NM_020207.7 (MANE Select); coding-DNA position 3762, one base deleted (A; older notation c.3762delA).
Protein change: p.Glu1254fs; shifts the reading frame from glutamic acid 1254.
Molecular consequence: frameshift variant. On other transcripts: non-coding transcript variant (1), intron variant (2).
Genome position (GRCh38, 1-based): chr9:96,012,312, A deleted; the last of 2 consecutive A bases (chr9:96,012,311-96,012,312); deleting either gives the same sequence. VCF-style (leftmost placement, unchanged base first): chr9-96012310-GA-G. GRCh37 (hg19) VCF-style: chr9-98774592-GA-G.
Other names: c.3674+7611del (NM_001375291.1, NM_001375292.1); short protein forms E1254fs.
Identifiers: ClinVar variation 4765336 (VCV004765336.1).

ClinVar aggregate classification (germline): Pathogenic (1 of 4 stars; one submission).

Submission:

Labcorp Genetics (formerly Invitae), Labcorp
Classification: Pathogenic. Last evaluated: 2025-05-26. Review status: criteria provided, single submitter. Criteria: Invitae Variant Classification Sherloc (09022015). Collection method: clinical testing. Allele origin: germline.
Comment: This sequence change creates a premature translational stop signal (p.Glu1265Aspfs*6) in the ERCC6L2 gene. While this is not anticipated to result in nonsense mediated decay, it is expected to disrupt the last 297 amino acid(s) of the ERCC6L2 protein. This variant is present in population databases (rs750286437, gnomAD 0.004%). This variant has not been reported in the literature in individuals affected with ERCC6L2-related conditions. This variant disrupts a region of the ERCC6L2 protein in which other variant(s) (p.Arg1266*) have been determined to be pathogenic (PMID: 29146883, 29987015). This suggests that this is a clinically significant region of the protein, and that variants that disrupt it are likely to be disease-causing. For these reasons, this variant has been classified as Pathogenic.

Literature cited by the submitters: PubMed 29146883; PubMed 29987015.